The following is an entry in ClinVar:

NM_004239.4(TRIP11):c.4266A>G (p.Gln1422=)

Gene: TRIP11 (thyroid hormone receptor interactor 11; minus strand). Cytogenetic location: 14q32.12.
Variant type: single nucleotide variant.
Coding change: c.4266A>G on transcript NM_004239.4 (MANE Select); coding-DNA position 4266, A replaced by G.
Protein change: p.Gln1422=; no amino-acid change (glutamine 1422 retained).
Molecular consequence: synonymous variant.
Genome position (GRCh38, 1-based): chr14:92,003,710, T>C on the plus strand (A>G on the coding strand, the complement: TRIP11 is on the minus strand). VCF-style: chr14-92003710-T-C. GRCh37 (hg19) VCF-style: chr14-92470054-T-C.
Other names: c.4263A>G, p.Gln1421= (NM_001321851.1).
Identifiers: ClinVar variation 1592429 (VCV001592429.10), dbSNP rs774335020, ClinGen allele CA7313487.

ClinVar aggregate classification (germline): Likely benign. Review status: criteria provided, single submitter (1 of 4 stars). 2 submissions from 2 submitters: Likely benign (1). 1 of the submissions does not count toward it. Last evaluated 2022-07-05.

Conditions:
TRIP11-related disorder. Also called: TRIP11-Related Disorders; TRIP11-related condition.
Achondrogenesis, type IA (ACG1A). Identifiers: Orphanet 932, Orphanet 93299, MedGen C0265273, MONDO:0008701, OMIM 200600.

Allele frequency attached by ClinVar (database versions not stated): TOPMed below 0.00001; gnomAD 0.00001; gnomAD exomes 0.00001 and 0.00003; ExAC 0.00004.
gnomAD v4.1: 15 of 1,614,088 alleles (0.00093%); highest among the groups gnomAD compares: East Asian, 0.033%; no homozygotes.

Submissions (2):

Labcorp Genetics (formerly Invitae), Labcorp
Classification: Likely benign for Achondrogenesis, type IA. Last evaluated: 2022-07-05. Review status: criteria provided, single submitter. Criteria: Invitae Variant Classification Sherloc (09022015). Collection method: clinical testing. Allele origin: germline.

PreventionGenetics, part of Exact Sciences
Classification: Likely benign for TRIP11-related condition. Last evaluated: 2020-10-20. Review status: no assertion criteria provided. Collection method: clinical testing. Allele origin: germline. Not counted in ClinVar's aggregate classification.
Comment: This variant is classified as likely benign based on ACMG/AMP sequence variant interpretation guidelines (Richards et al. 2015 PMID: 25741868, with internal and published modifications).